The following is an entry in ClinVar:

ClinVar aggregate classification (germline): Likely benign. Review status: criteria provided, multiple submitters, no conflicts (2 of 4 stars). 2 submissions from 2 submitters: Likely benign (2). Last evaluated 2024-10-08.

Allele frequency attached by ClinVar (database versions not stated): gnomAD 0.00012; TOPMed 0.00012; ExAC 0.00016; 1000 Genomes Project 0.00020; 1000 Genomes Project 30x 0.00031.
gnomAD v4.1: 204 of 1,613,372 alleles (0.013%); highest among the groups gnomAD compares: Middle Eastern, 0.017%; no homozygotes.

Submissions (2):

Blueprint Genetics
Classification: Likely benign. Last evaluated: 2024-10-08. Review status: criteria provided, single submitter. Criteria: ACMG Guidelines, 2015. Collection method: clinical testing. Allele origin: germline.

CeGaT Center for Human Genetics Tuebingen
Classification: Likely benign. Last evaluated: 2022-08-01. Review status: criteria provided, single submitter. Criteria: CeGaT Center For Human Genetics Tuebingen Variant Classification Criteria Version 2. Collection method: clinical testing. Allele origin: germline. Affected: yes. Observed: 1 variant allele.
Comment: CNPY3: BP4, BP7

NM_006586.5(CNPY3):c.711C>T (p.Gly237=)

Genes: CNPY3 (canopy FGF signaling regulator 3; plus strand), CNPY3-GNMT (CNPY3-GNMT readthrough; plus strand). Cytogenetic location: 6p21.1.
Variant type: single nucleotide variant.
Coding change: c.711C>T on transcript NM_006586.5 (MANE Select); coding-DNA position 711, C replaced by T.
Protein change: p.Gly237=; no amino-acid change (glycine 237 retained).
Molecular consequence: synonymous variant. On other transcripts: non-coding transcript variant (4), intron variant (3).
Genome position (GRCh38, 1-based): chr6:42,938,665, C>T. VCF-style: chr6-42938665-C-T. GRCh37 (hg19) VCF-style: chr6-42906403-C-T.
Other names: c.810C>T, p.Gly270= (NM_001318842.1); c.444C>T, p.Gly148= (NM_001318845.1); c.8+8944C>T (NM_001318856.2); c.151+8944C>T (NM_001318857.2, NM_001318858.2).
Identifiers: ClinVar variation 1711628 (VCV001711628.31), dbSNP rs200953616, ClinGen allele CA3810535.